The following is an entry in ClinVar:

ClinVar aggregate classification (germline): Uncertain significance (1 of 4 stars; one submission).

Conditions:
Multiple endocrine neoplasia, type 1 (MEN1). Also called: MEN I; WERMER SYNDROME; Endocrine adenomatosis multiple; MEN 1; MEA I. Identifiers: Orphanet 652, MedGen C0025267, MeSH D018761, MONDO:0007540, OMIM 131100.

Submission:

Labcorp Genetics (formerly Invitae), Labcorp
Classification: Uncertain significance for Multiple endocrine neoplasia, type 1. Last evaluated: 2023-08-02. Review status: criteria provided, single submitter. Criteria: Invitae Variant Classification Sherloc (09022015). Collection method: clinical testing. Allele origin: germline.
Comment: In summary, the available evidence is currently insufficient to determine the role of this variant in disease. Therefore, it has been classified as a Variant of Uncertain Significance. Advanced modeling of protein sequence and biophysical properties (such as structural, functional, and spatial information, amino acid conservation, physicochemical variation, residue mobility, and thermodynamic stability) performed at Invitae indicates that this missense variant is expected to disrupt MEN1 protein function. This variant has not been reported in the literature in individuals affected with MEN1-related conditions. This variant is not present in population databases (gnomAD no frequency). This sequence change replaces arginine, which is basic and polar, with proline, which is neutral and non-polar, at codon 206 of the MEN1 protein (p.Arg206Pro).

NM_001370259.2(MEN1):c.617G>C (p.Arg206Pro)

Gene: MEN1 (menin 1; minus strand). Cytogenetic location: 11q13.1.
Variant type: single nucleotide variant.
Coding change: c.617G>C on transcript NM_001370259.2 (MANE Select); coding-DNA position 617, G replaced by C.
Protein change: p.Arg206Pro; replaces arginine 206 with proline.
Molecular consequence: missense variant. On other transcripts: non-coding transcript variant (4), intron variant (5).
Genome position (GRCh38, 1-based): chr11:64,807,928, C>G on the plus strand (G>C on the coding strand, the complement: MEN1 is on the minus strand). VCF-style: chr11-64807928-C-G. GRCh37 (hg19) VCF-style: chr11-64575400-C-G.
Other names: c.617G>C, p.Arg206Pro (NM_001407144.1, NM_001407146.1, NM_001407147.1 and 7 more transcripts); c.632G>C, p.Arg211Pro (NM_001407145.1, NM_001407150.1, NM_130800.3 and 5 more transcripts); c.549+68G>C (NM_001407148.1, NM_001407149.1, NM_001407151.1 and 2 more transcripts); short protein forms R206P, R211P.
Identifiers: ClinVar variation 2749203 (VCV002749203.3), dbSNP rs1565647825, ClinGen allele CA381185404.